The following is an entry in ClinVar:

NM_002296.4(LBR):c.224G>A (p.Arg75His)

Gene: LBR (lamin B receptor; minus strand). Cytogenetic location: 1q42.12.
Variant type: single nucleotide variant.
Coding change: c.224G>A on transcript NM_002296.4 (MANE Select); coding-DNA position 224, G replaced by A.
Protein change: p.Arg75His; replaces arginine 75 with histidine.
Molecular consequence: missense variant.
Genome position (GRCh38, 1-based): chr1:225,422,219, C>T on the plus strand (G>A on the coding strand, the complement: LBR is on the minus strand). VCF-style: chr1-225422219-C-T. GRCh37 (hg19) VCF-style: chr1-225609921-C-T.
Other names: c.224G>A (NM_002296.3); c.224G>A, p.Arg75His (NM_194442.3); short protein forms R75H.
Identifiers: ClinVar variation 1488598 (VCV001488598.30), dbSNP rs755984972, ClinGen allele CA1417533.

ClinVar aggregate classification (germline): Uncertain significance. Review status: criteria provided, multiple submitters, no conflicts (2 of 4 stars). 4 submissions from 4 submitters: Uncertain significance (4). Last evaluated 2025-12-15.

Conditions:
Inborn genetic diseases. Identifiers: MedGen C0950123, MeSH D030342.

Allele frequency attached by ClinVar (database versions not stated): gnomAD 0.00001; TOPMed 0.00001; ExAC 0.00002; gnomAD exomes 0.00004.
gnomAD v4.1: 148 of 1,613,684 alleles (0.0092%); highest among the groups gnomAD compares: South Asian, 0.022%; no homozygotes.

Submissions (4):

Labcorp Genetics (formerly Invitae), Labcorp
Classification: Uncertain significance. Last evaluated: 2025-12-15. Review status: criteria provided, single submitter. Criteria: Invitae Variant Classification Sherloc (09022015). Collection method: clinical testing. Allele origin: germline.
Comment: This sequence change replaces arginine, which is basic and polar, with histidine, which is basic and polar, at codon 75 of the LBR protein (p.Arg75His). This variant is present in population databases (rs755984972, gnomAD 0.02%). This variant has not been reported in the literature in individuals affected with LBR-related conditions. ClinVar contains an entry for this variant (Variation ID: 1488598). Invitae Evidence Modeling of protein sequence and biophysical properties (such as structural, functional, and spatial information, amino acid conservation, physicochemical variation, residue mobility, and thermodynamic stability) indicates that this missense variant is expected to disrupt LBR protein function with a positive predictive value of 95%. In summary, the available evidence is currently insufficient to determine the role of this variant in disease. Therefore, it has been classified as a Variant of Uncertain Significance.

Ambry Genetics
Classification: Uncertain significance for Inborn genetic diseases. Last evaluated: 2025-04-12. Review status: criteria provided, single submitter. Criteria: Ambry Variant Classification Scheme 2023. Collection method: clinical testing. Allele origin: germline.

CeGaT Center for Human Genetics Tuebingen
Classification: Uncertain significance. Last evaluated: 2023-11-01. Review status: criteria provided, single submitter. Criteria: CeGaT Center For Human Genetics Tuebingen Variant Classification Criteria Version 2. Collection method: clinical testing. Allele origin: germline. Affected: yes. Observed: 1 variant allele.

Breakthrough Genomics
Classification: Uncertain significance. Review status: criteria provided, single submitter. Criteria: ACMG Guidelines, 2015. Collection method: not provided. Allele origin: germline. Inheritance: Autosomal recessive inheritance. Affected: yes.